The following is an entry in ClinVar:

ClinVar aggregate classification (germline): Uncertain significance (1 of 4 stars; one submission).

Submission:

Ambry Genetics
Classification: Uncertain significance. Last evaluated: 2025-02-03. Review status: criteria provided, single submitter. Criteria: Ambry Variant Classification Scheme 2023. Collection method: clinical testing. Allele origin: germline.
Comment: The p.D1284Y variant (also known as c.3850G>T), located in coding exon 8 of the MLH3 gene, results from a G to T substitution at nucleotide position 3850. The aspartic acid at codon 1284 is replaced by tyrosine, an amino acid with highly dissimilar properties. This amino acid position is conserved. In addition, the in silico prediction for this alteration is inconclusive. Based on the available evidence, the clinical significance of this variant remains unclear.

NM_001040108.2(MLH3):c.3850G>T (p.Asp1284Tyr)

Gene: MLH3 (mutL homolog 3; minus strand). Cytogenetic location: 14q24.3.
Variant type: single nucleotide variant.
Coding change: c.3850G>T on transcript NM_001040108.2 (MANE Select); coding-DNA position 3850, G replaced by T.
Protein change: p.Asp1284Tyr; replaces aspartic acid 1284 with tyrosine.
Molecular consequence: missense variant.
Genome position (GRCh38, 1-based): chr14:75,030,680, C>A on the plus strand (G>T on the coding strand, the complement: MLH3 is on the minus strand). VCF-style: chr14-75030680-C-A. GRCh37 (hg19) VCF-style: chr14-75497383-C-A.
Other names: c.3778G>T, p.Asp1260Tyr (NM_014381.3); short protein forms D1260Y, D1284Y.
Identifiers: ClinVar variation 3873514 (VCV003873514.1).
Genomic context (GRCh38, chr14:75,030,680, plus strand): 5'-CTTTTCCCACAAGGACCAGAGAATCACTAGTGTCTGGAAATACAAATTCAAGGCCCAGAT[C>A]TTCCAGATTTTTGTGGTAACACCTAAAGAGATAACCTCAAATGTTAAAAAAAAAAAGAGT-3'
Protein context (NP_001035197.1, residues 1274-1294): LLWCYHKNLE[Asp1284Tyr]LGLEFVFPDT